The following is an entry in ClinVar:

NM_172107.4(KCNQ2):c.1887+16C>A

Gene: KCNQ2 (potassium voltage-gated channel subfamily Q member 2; minus strand). Cytogenetic location: 20q13.33.
Variant type: single nucleotide variant.
Coding change: c.1887+16C>A on transcript NM_172107.4 (MANE Select); 16 bases into the intron after coding-DNA position 1887, C replaced by A.
Molecular consequence: intron variant.
Genome position (GRCh38, 1-based): chr20:63,408,397, G>T on the plus strand (C>A on the coding strand, the complement: KCNQ2 is on the minus strand). VCF-style: chr20-63408397-G-T. GRCh37 (hg19) VCF-style: chr20-62039750-G-T.
Other names: c.1803+16C>A (NM_004518.6); c.1794+16C>A (NM_172108.5); c.1833+16C>A (NM_172106.3).
Identifiers: ClinVar variation 379483 (VCV000379483.10), dbSNP rs369329706, ClinGen allele CA9958226.
Genomic context (GRCh38, chr20:63,408,397, plus strand): 5'-AGCCCACACTGCCACAGGTTGACGGCAGGCACCACAGCCCTCCAGCCCCGCACCCCTCCC[G>T]CCCAGCCTCTCGCACCTGCTTCTCCACCTTCCCGAGCCGTCCCATCATGCTGGGGTCCTC-3'

ClinVar aggregate classification (germline): Benign/Likely benign. Review status: criteria provided, multiple submitters, no conflicts (2 of 4 stars). 2 submissions from 2 submitters: Benign (1); Likely benign (1). Last evaluated 2025-10-10.

Conditions:
Early-infantile DEE. Also called: Ohtahara syndrome; Early infantile epileptic encephalopathy with suppression bursts; Early infantile epileptic encephalopathy. Identifiers: Orphanet 1934, MedGen C0393706, MONDO:0800491.

Allele frequency attached by ClinVar (database versions not stated): TOPMed 0.00006; ESP Exome Variant Server 0.00008; 1000 Genomes Project 30x 0.00016; 1000 Genomes Project 0.00020.
gnomAD v4.1: 23 of 1,604,170 alleles (0.0014%); highest among the groups gnomAD compares: African/African-American, 0.027%; no homozygotes.

Submissions (2):

Labcorp Genetics (formerly Invitae), Labcorp
Classification: Likely benign for Early-infantile DEE. Last evaluated: 2025-10-10. Review status: criteria provided, single submitter. Criteria: Invitae Variant Classification Sherloc (09022015). Collection method: clinical testing. Allele origin: germline.

GeneDx
Classification: Benign. Last evaluated: 2015-04-16. Review status: criteria provided, single submitter. Criteria: GeneDx Variant Classification (06012015). Collection method: clinical testing. Allele origin: germline. Affected: yes.
Comment: This variant is considered likely benign or benign based on one or more of the following criteria: it is a conservative change, it occurs at a poorly conserved position in the protein, it is predicted to be benign by multiple in silico algorithms, and/or has population frequency not consistent with disease.